The following is an entry in ClinVar:

ClinVar aggregate classification (germline): Uncertain significance (1 of 4 stars; one submission).

gnomAD v4.1: 58 of 1,599,854 alleles (0.0036%); highest among the groups gnomAD compares: Admixed American, 0.015%; no homozygotes.

Submission:

GeneDx
Classification: Uncertain significance. Last evaluated: 2026-04-11. Review status: criteria provided, single submitter. Criteria: GeneDx Variant Classification Process June 2021. Collection method: clinical testing. Allele origin: germline.
Comment: In silico analysis suggests that this missense variant does not alter protein structure/function; Has not been previously published as pathogenic or benign to our knowledge

NM_025191.4(EDEM3):c.814G>A (p.Val272Met)

Gene: EDEM3 (ER degradation enhancing alpha-mannosidase like protein 3; minus strand). Cytogenetic location: 1q25.3.
Variant type: single nucleotide variant.
Coding change: c.814G>A on transcript NM_025191.4 (MANE Select); coding-DNA position 814, G replaced by A.
Protein change: p.Val272Met; replaces valine 272 with methionine.
Molecular consequence: missense variant. On other transcripts: non-coding transcript variant (1).
Genome position (GRCh38, 1-based): chr1:184,723,790, C>T on the plus strand (G>A on the coding strand, the complement: EDEM3 is on the minus strand). VCF-style: chr1-184723790-C-T. GRCh37 (hg19) VCF-style: chr1-184692924-C-T.
Other names: c.814G>A, p.Val272Met (NM_001319960.2); short protein forms V272M.
Identifiers: ClinVar variation 5036918 (VCV005036918.1).